The following is an entry in ClinVar:

ClinVar aggregate classification (germline): Conflicting classifications of pathogenicity. Review status: criteria provided, conflicting classifications (1 of 4 stars). 2 submissions from 2 submitters: Likely pathogenic (1); Uncertain significance (1). Last evaluated 2024-05-02.

Conditions:
Wiedemann-Steiner syndrome (WDSTS). Also called: Growth deficiency and mental retardation with facial dysmorphism. Identifiers: Orphanet 319182, MedGen C1854630, MONDO:0011518, OMIM 605130.

Allele frequency attached by ClinVar (database versions not stated): gnomAD exomes below 0.00001; TOPMed below 0.00001.
gnomAD v4.1: 3 of 1,611,514 alleles (0.00019%); highest among the groups gnomAD compares: Non-Finnish European, 0.00025%; no homozygotes.

Submissions (2):

Institute of Immunology and Genetics Kaiserslautern
Classification: Likely pathogenic for Wiedemann-Steiner syndrome. Last evaluated: 2024-05-02. Review status: criteria provided, single submitter. Criteria: ACMG Guidelines, 2015. Collection method: clinical testing. Allele origin: de novo. Affected: yes.
Comment: ACMG Criteria: PM2, PP3, PS2; Variant was found in heterozygous state

Labcorp Genetics (formerly Invitae), Labcorp
Classification: Uncertain significance. Last evaluated: 2022-08-23. Review status: criteria provided, single submitter. Criteria: Invitae Variant Classification Sherloc (09022015). Collection method: clinical testing. Allele origin: germline.
Comment: In summary, the available evidence is currently insufficient to determine the role of this variant in disease. Therefore, it has been classified as a Variant of Uncertain Significance. This sequence change replaces arginine, which is basic and polar, with histidine, which is basic and polar, at codon 1892 of the KMT2A protein (p.Arg1892His). This variant is not present in population databases (gnomAD no frequency). ClinVar contains an entry for this variant (Variation ID: 1497326). Advanced modeling of protein sequence and biophysical properties (such as structural, functional, and spatial information, amino acid conservation, physicochemical variation, residue mobility, and thermodynamic stability) performed at Invitae indicates that this missense variant is expected to disrupt KMT2A protein function. This variant has not been reported in the literature in individuals affected with KMT2A-related conditions.

NM_001197104.2(KMT2A):c.5675G>A (p.Arg1892His)

Gene: KMT2A (lysine methyltransferase 2A; plus strand). Cytogenetic location: 11q23.3.
Variant type: single nucleotide variant.
Coding change: c.5675G>A on transcript NM_001197104.2 (MANE Select); coding-DNA position 5675, G replaced by A.
Protein change: p.Arg1892His; replaces arginine 1892 with histidine.
Molecular consequence: missense variant.
Genome position (GRCh38, 1-based): chr11:118,497,946, G>A. VCF-style: chr11-118497946-G-A. GRCh37 (hg19) VCF-style: chr11-118368661-G-A.
Other names: c.5666G>A, p.Arg1889His (NM_005933.4); c.5675G>A (NM_001197104.1); short protein forms R1892H, R1889H.
Identifiers: ClinVar variation 1497326 (VCV001497326.7), dbSNP rs1950436398, ClinGen allele CA382797494.